The following is an entry in ClinVar:

NM_020911.2(PLXNA4):c.706A>G (p.Ile236Val)

Gene: PLXNA4 (plexin A4; minus strand). Cytogenetic location: 7q32.3.
Variant type: single nucleotide variant.
Coding change: c.706A>G on transcript NM_020911.2 (MANE Select); coding-DNA position 706, A replaced by G.
Protein change: p.Ile236Val; replaces isoleucine 236 with valine.
Molecular consequence: missense variant.
Genome position (GRCh38, 1-based): chr7:132,507,988, T>C on the plus strand (A>G on the coding strand, the complement: PLXNA4 is on the minus strand). VCF-style: chr7-132507988-T-C. GRCh37 (hg19) VCF-style: chr7-132192747-T-C.
Other names: c.706A>G, p.Ile236Val (NM_001105543.2, NM_001393897.1, NM_181775.4); short protein forms I236V.
Identifiers: ClinVar variation 4569768 (VCV004569768.2).

ClinVar aggregate classification (germline): Conflicting classifications of pathogenicity. Review status: criteria provided, conflicting classifications (1 of 4 stars). 2 submissions from 2 submitters: Uncertain significance (1); Likely benign (1). Last evaluated 2025-12-11.

Conditions:
PLXNA4-related disorder. Also called: PLXNA4-related condition.

Submissions (2):

PreventionGenetics, part of Exact Sciences
Classification: Uncertain significance for PLXNA4-related condition. Last evaluated: 2025-12-11. Review status: criteria provided, single submitter. Criteria: ACMG Guidelines, 2015. Collection method: clinical testing. Allele origin: germline.
Comment: The PLXNA4 c.706A>G variant is predicted to result in the amino acid substitution p.Ile236Val. To our knowledge, this variant has not been reported in the literature. This variant is reported in 0.00078% of alleles in individuals of European (Non-Finnish) descent in gnomAD. At this time, the clinical significance of this variant is uncertain due to the absence of conclusive functional and genetic evidence.

Ambry Genetics
Classification: Likely benign. Last evaluated: 2025-10-15. Review status: criteria provided, single submitter. Criteria: Ambry Variant Classification Scheme 2023. Collection method: clinical testing. Allele origin: germline.